The following is an entry in ClinVar:

NM_001197104.2(KMT2A):c.1607G>C (p.Arg536Thr)

Gene: KMT2A (lysine methyltransferase 2A; plus strand). Cytogenetic location: 11q23.3.
Variant type: single nucleotide variant.
Coding change: c.1607G>C on transcript NM_001197104.2 (MANE Select); coding-DNA position 1607, G replaced by C.
Protein change: p.Arg536Thr; replaces arginine 536 with threonine.
Molecular consequence: missense variant.
Genome position (GRCh38, 1-based): chr11:118,472,766, G>C. VCF-style: chr11-118472766-G-C. GRCh37 (hg19) VCF-style: chr11-118343481-G-C.
Other names: c.1706G>C, p.Arg569Thr (NM_001412597.1); c.1607G>C, p.Arg536Thr (NM_005933.4); short protein forms R569T, R536T.
Identifiers: ClinVar variation 1904247 (VCV001904247.6), dbSNP rs1565279116, ClinGen allele CA382810474.
Genomic context (GRCh38, chr11:118,472,766, plus strand): 5'-CCCAGTCCCCAGAAAATGAGAGTAATGATAGGAGAAGCAGAAGGTATTCAGTGTCGGAGA[G>C]AAGTTTTGGATCTAGAACGACGAAAAAATTATCAACTCTACAAAGTGCCCCCCAGCAGCA-3'
Protein context (NP_001184033.1, residues 526-546): RRSRRYSVSE[Arg536Thr]SFGSRTTKKL

ClinVar aggregate classification (germline): Uncertain significance. Review status: criteria provided, multiple submitters, no conflicts (2 of 4 stars). 2 submissions from 2 submitters: Uncertain significance (2). Last evaluated 2025-11-22.

Conditions:
Inborn genetic diseases. Identifiers: MedGen C0950123, MeSH D030342.

gnomAD v4.1: 2 of 1,613,626 alleles (0.00012%); highest among the groups gnomAD compares: Non-Finnish European, 0.000085%; no homozygotes.

Submissions (2):

Labcorp Genetics (formerly Invitae), Labcorp
Classification: Uncertain significance. Last evaluated: 2025-11-22. Review status: criteria provided, single submitter. Criteria: Invitae Variant Classification Sherloc (09022015). Collection method: clinical testing. Allele origin: germline.
Comment: This sequence change replaces arginine, which is basic and polar, with threonine, which is neutral and polar, at codon 536 of the KMT2A protein (p.Arg536Thr). This variant is not present in population databases (gnomAD no frequency). This variant has not been reported in the literature in individuals affected with KMT2A-related conditions. ClinVar contains an entry for this variant (Variation ID: 1904247). Invitae Evidence Modeling of protein sequence and biophysical properties (such as structural, functional, and spatial information, amino acid conservation, physicochemical variation, residue mobility, and thermodynamic stability) indicates that this missense variant is not expected to disrupt KMT2A protein function with a negative predictive value of 95%. In summary, the available evidence is currently insufficient to determine the role of this variant in disease. Therefore, it has been classified as a Variant of Uncertain Significance.

Ambry Genetics
Classification: Uncertain significance for Inborn genetic diseases. Last evaluated: 2022-08-17. Review status: criteria provided, single submitter. Criteria: Ambry Variant Classification Scheme 2023. Collection method: clinical testing. Allele origin: germline.